The following is an entry in ClinVar:

ClinVar aggregate classification (germline): Uncertain significance (1 of 4 stars; one submission).

Conditions:
Emery-Dreifuss muscular dystrophy (EDMD). Also called: Scapuloperoneal syndrome, X-linked (formerly); Humeroperoneal neuromuscular disease, (formerly). Identifiers: Orphanet 261, MedGen C0410189, MONDO:0016830.

Allele frequency attached by ClinVar (database versions not stated): gnomAD 0.00001; gnomAD exomes 0.00002; TOPMed 0.00002; ExAC 0.00004.
gnomAD v4.1: 37 of 1,613,714 alleles (0.0023%); highest among the groups gnomAD compares: South Asian, 0.014%; no homozygotes.

Submission:

Labcorp Genetics (formerly Invitae), Labcorp
Classification: Uncertain significance for Emery-Dreifuss muscular dystrophy. Last evaluated: 2023-10-05. Review status: criteria provided, single submitter. Criteria: Invitae Variant Classification Sherloc (09022015). Collection method: clinical testing. Allele origin: germline.
Comment: This sequence change replaces isoleucine, which is neutral and non-polar, with threonine, which is neutral and polar, at codon 686 of the SUN1 protein (p.Ile686Thr). This variant is present in population databases (rs755860211, gnomAD 0.02%). This variant has not been reported in the literature in individuals affected with SUN1-related conditions. An algorithm developed to predict the effect of missense changes on protein structure and function (PolyPhen-2) suggests that this variant is likely to be disruptive. In summary, the available evidence is currently insufficient to determine the role of this variant in disease. Therefore, it has been classified as a Variant of Uncertain Significance.

NM_001130965.3(SUN1):c.2057T>C (p.Ile686Thr)

Gene: SUN1 (Sad1 and UNC84 domain containing 1; plus strand). Cytogenetic location: 7p22.3.
Variant type: single nucleotide variant.
Coding change: c.2057T>C on transcript NM_001130965.3 (MANE Select); coding-DNA position 2057, T replaced by C.
Protein change: p.Ile686Thr; replaces isoleucine 686 with threonine.
Molecular consequence: missense variant. On other transcripts: non-coding transcript variant (3).
Genome position (GRCh38, 1-based): chr7:869,425, T>C. VCF-style: chr7-869425-T-C. GRCh37 (hg19) VCF-style: chr7-909062-T-C.
Other names: c.1748T>C, p.Ile583Thr (NM_001171944.2); c.2057T>C, p.Ile686Thr (NM_001367633.1, NM_001367634.1, NM_001367653.1); c.1706T>C, p.Ile569Thr (NM_001367635.1); c.2297T>C, p.Ile766Thr (NM_001367636.1, NM_001367691.1); c.2165T>C, p.Ile722Thr (NM_001367638.1); c.1598T>C, p.Ile533Thr (NM_001367639.1); c.2237T>C, p.Ile746Thr (NM_001367640.1); c.2339T>C, p.Ile780Thr (NM_001367641.1, NM_001367682.1); and 43 more; short protein forms I569T, I625T, I630T, I640T, I653T, I660T, I685T, I700T.
Identifiers: ClinVar variation 2998760 (VCV002998760.3), dbSNP rs755860211, ClinGen allele CA4112478.